The following is an entry in ClinVar:

ClinVar aggregate classification (germline): Benign/Likely benign. Review status: criteria provided, multiple submitters, no conflicts (2 of 4 stars). 4 submissions from 4 submitters: Benign (1); Likely benign (2). 1 of the submissions does not count toward it. Last evaluated 2026-02-01.

Conditions:
EP300-related disorder. Also called: EP300-related condition; EP300-related disorders.
Rubinstein-Taybi syndrome due to EP300 haploinsufficiency. Also called: EP300-Related Rubinstein-Taybi Syndrome; RUBINSTEIN-TAYBI SYNDROME 2. Identifiers: Orphanet 353284, Orphanet 783, MedGen C3150941, MONDO:0013364, OMIM 613684.

Allele frequency attached by ClinVar (database versions not stated): ExAC 0.00006; gnomAD 0.00007; ESP Exome Variant Server 0.00008; TOPMed 0.00009; 1000 Genomes Project 30x 0.00016; gnomAD exomes 0.00017; 1000 Genomes Project 0.00020.
gnomAD v4.1: 257 of 1,614,066 alleles (0.016%); highest among the groups gnomAD compares: Non-Finnish European, 0.021%; no homozygotes.

Submissions (4):

CeGaT Center for Human Genetics Tuebingen
Classification: Likely benign. Last evaluated: 2026-02-01. Review status: criteria provided, single submitter. Criteria: CeGaT Center For Human Genetics Tuebingen Variant Classification Criteria Version 2. Collection method: clinical testing. Allele origin: germline. Affected: yes. Observed: 2 variant alleles.
Comment: EP300: BP4, BP7

Labcorp Genetics (formerly Invitae), Labcorp
Classification: Benign for Rubinstein-Taybi syndrome due to EP300 haploinsufficiency. Last evaluated: 2026-01-19. Review status: criteria provided, single submitter. Criteria: Invitae Variant Classification Sherloc (09022015). Collection method: clinical testing. Allele origin: germline.

Blueprint Genetics
Classification: Likely benign. Last evaluated: 2024-07-24. Review status: criteria provided, single submitter. Criteria: ACMG Guidelines, 2015. Collection method: clinical testing. Allele origin: germline.

PreventionGenetics, part of Exact Sciences
Classification: Likely benign for EP300-related condition. Last evaluated: 2022-07-29. Review status: no assertion criteria provided. Collection method: clinical testing. Allele origin: germline. Not counted in ClinVar's aggregate classification.
Comment: This variant is classified as likely benign based on ACMG/AMP sequence variant interpretation guidelines (Richards et al. 2015 PMID: 25741868, with internal and published modifications).

NM_001429.4(EP300):c.2889T>C (p.Asn963=)

Genes: EP300 (EP300 lysine acetyltransferase; plus strand), LOC126863158 (BRD4-independent group 4 enhancer GRCh37_chr22:41547383-41548582; plus strand). Cytogenetic location: 22q13.2.
Variant type: single nucleotide variant.
Coding change: c.2889T>C on transcript NM_001429.4 (MANE Select); coding-DNA position 2889, T replaced by C.
Protein change: p.Asn963=; no amino-acid change (asparagine 963 retained).
Molecular consequence: synonymous variant.
Genome position (GRCh38, 1-based): chr22:41,151,904, T>C. VCF-style: chr22-41151904-T-C. GRCh37 (hg19) VCF-style: chr22-41547908-T-C.
Other names: c.2889T>C (NM_001429.3); c.2811T>C, p.Asn937= (NM_001362843.2).
Identifiers: ClinVar variation 2732068 (VCV002732068.10), dbSNP rs201239346, ClinGen allele CA10252986.